The following is an entry in ClinVar:

ClinVar aggregate classification (germline): Uncertain significance (1 of 4 stars; one submission).

Conditions:
Brachyolmia-amelogenesis imperfecta syndrome. Also called: PLATYSPONDYLY WITH AMELOGENESIS IMPERFECTA; Tooth agenesis, selective, 6; Dental anomalies and short stature. Identifiers: Orphanet 2899, MedGen C1832594, MONDO:0011018, OMIM 601216. Disease mechanism: loss of function.

Submission:

Labcorp Genetics (formerly Invitae), Labcorp
Classification: Uncertain significance for Brachyolmia-amelogenesis imperfecta syndrome. Last evaluated: 2025-04-13. Review status: criteria provided, single submitter. Criteria: Invitae Variant Classification Sherloc (09022015). Collection method: clinical testing. Allele origin: germline.
Comment: This sequence change replaces cysteine, which is neutral and slightly polar, with tryptophan, which is neutral and slightly polar, at codon 824 of the LTBP3 protein (p.Cys824Trp). This variant is not present in population databases (gnomAD no frequency). This variant has not been reported in the literature in individuals affected with LTBP3-related conditions. An algorithm developed to predict the effect of missense changes on protein structure and function (PolyPhen-2) suggests that this variant is likely to be disruptive. Algorithms developed to predict the effect of sequence changes on RNA splicing suggest that this variant may disrupt the consensus splice site. In summary, the available evidence is currently insufficient to determine the role of this variant in disease. Therefore, it has been classified as a Variant of Uncertain Significance.

NM_001130144.3(LTBP3):c.2472C>G (p.Cys824Trp)

Gene: LTBP3 (latent transforming growth factor beta binding protein 3; minus strand). Cytogenetic location: 11q13.1.
Variant type: single nucleotide variant.
Coding change: c.2472C>G on transcript NM_001130144.3 (MANE Select); coding-DNA position 2472, C replaced by G.
Protein change: p.Cys824Trp; replaces cysteine 824 with tryptophan.
Molecular consequence: missense variant.
Genome position (GRCh38, 1-based): chr11:65,543,431, G>C on the plus strand (C>G on the coding strand, the complement: LTBP3 is on the minus strand). VCF-style: chr11-65543431-G-C. GRCh37 (hg19) VCF-style: chr11-65310902-G-C.
Other names: c.2121C>G, p.Cys707Trp (NM_001164266.1); c.2472C>G, p.Cys824Trp (NM_021070.4); short protein forms C824W, C707W.
Identifiers: ClinVar variation 4716759 (VCV004716759.1).